The following is an entry in ClinVar:

ClinVar aggregate classification (germline): Benign/Likely benign. Review status: criteria provided, multiple submitters, no conflicts (2 of 4 stars). 6 submissions from 6 submitters: Benign (3); Likely benign (3). Last evaluated 2026-04-01.

Conditions:
Polyglandular autoimmune syndrome, type 1 (APS1). Also called: Autoimmune polyendocrinopathy syndrome, type I; HYPOADRENOCORTICISM WITH HYPOPARATHYROIDISM AND SUPERFICIAL MONILIASIS; Autoimmune polyendocrine syndrome type 1; APS I; Autoimmune polyendocrinopathy syndrome , type I, with or without reversible metaphyseal dysplasia; Whitaker syndrome. Identifiers: Orphanet 3453, MedGen C0085859, MONDO:0009411, OMIM 240300.

Allele frequency attached by ClinVar (database versions not stated): 1000 Genomes Project 0.00599; TOPMed 0.00604; ESP Exome Variant Server 0.00343; 1000 Genomes Project 30x 0.00578.
gnomAD v4.1: 2,814 of 1,569,294 alleles (0.18%); highest among the groups gnomAD compares: African/African-American, 1.7%; 24 homozygotes.

Submissions (6):

CeGaT Center for Human Genetics Tuebingen
Classification: Benign. Last evaluated: 2026-04-01. Review status: criteria provided, single submitter. Criteria: CeGaT Center For Human Genetics Tuebingen Variant Classification Criteria Version 2. Collection method: clinical testing. Allele origin: germline. Affected: yes. Observed: 3 variant alleles.
Comment: AIRE: BS1, BS2

Labcorp Genetics (formerly Invitae), Labcorp
Classification: Benign for Polyglandular autoimmune syndrome, type 1. Last evaluated: 2026-02-01. Review status: criteria provided, single submitter. Criteria: Invitae Variant Classification Sherloc (09022015). Collection method: clinical testing. Allele origin: germline.

Mayo Clinic Laboratories, Mayo Clinic
Classification: Benign. Last evaluated: 2024-04-02. Review status: criteria provided, single submitter. Criteria: ACMG Guidelines, 2015. Collection method: clinical testing. Allele origin: germline. Observed: 3 variant alleles.
Comment: BS1, BS2

Genetic Services Laboratory, University of Chicago
Classification: Likely benign. Last evaluated: 2020-08-17. Review status: criteria provided, single submitter. Criteria: ACMG Guidelines, 2015. Collection method: clinical testing. Allele origin: germline. Affected: no.

Women's Health and Genetics/Laboratory Corporation of America, LabCorp
Classification: Likely benign for Autoimmune Polyglandular Syndrome Type 1. Last evaluated: 2011-08-18. Review status: criteria provided, single submitter. Criteria: LabCorp Variant Classification Summary - May 2015. Collection method: curation, clinical testing. Allele origin: germline. Inheritance: autosomal unknown. Affected: yes.
ClinVar note: Converted during submission from likely benign to Likely benign.

Breakthrough Genomics
Classification: Likely benign. Review status: criteria provided, single submitter. Criteria: ACMG Guidelines, 2015. Collection method: not provided. Allele origin: germline. Inheritance: Autosomal recessive inheritance. Affected: yes.

NM_000383.4(AIRE):c.1404G>A (p.Thr468=)

Gene: AIRE (autoimmune regulator; plus strand). Cytogenetic location: 21q22.3.
Variant type: single nucleotide variant.
Coding change: c.1404G>A on transcript NM_000383.4 (MANE Select); coding-DNA position 1404, G replaced by A.
Protein change: p.Thr468=; no amino-acid change (threonine 468 retained).
Molecular consequence: synonymous variant.
Genome position (GRCh38, 1-based): chr21:44,294,404, G>A. VCF-style: chr21-44294404-G-A. GRCh37 (hg19) VCF-style: chr21-45714287-G-A.
Other names: p.Thr468=.
Identifiers: ClinVar variation 35661 (VCV000035661.38), dbSNP rs7281600, ClinGen allele CA213498.